The following is an entry in ClinVar:

NM_000548.5(TSC2):c.1924C>A (p.Pro642Thr)

Gene: TSC2 (TSC complex subunit 2; plus strand). Cytogenetic location: 16p13.3.
Variant type: single nucleotide variant.
Coding change: c.1924C>A on transcript NM_000548.5 (MANE Select); coding-DNA position 1924, C replaced by A.
Protein change: p.Pro642Thr; replaces proline 642 with threonine.
Molecular consequence: missense variant.
Genome position (GRCh38, 1-based): chr16:2,071,594, C>A. VCF-style: chr16-2071594-C-A. GRCh37 (hg19) VCF-style: chr16-2121595-C-A.
Other names: c.1924C>A, p.Pro642Thr (NM_001077183.3, NM_001114382.3, NM_001363528.2 and 3 more transcripts); c.1813C>A, p.Pro605Thr (NM_001318827.2); c.1777C>A, p.Pro593Thr (NM_001318829.2); c.1324C>A, p.Pro442Thr (NM_001318831.2); c.1957C>A, p.Pro653Thr (NM_001318832.2); short protein forms P642T, P442T, P605T, P593T, P653T.
Identifiers: ClinVar variation 566547 (VCV000566547.11), dbSNP rs889366862, ClinGen allele CA394273272.

ClinVar aggregate classification (germline): Uncertain significance. Review status: criteria provided, multiple submitters, no conflicts (2 of 4 stars). 2 submissions from 2 submitters: Uncertain significance (2). Last evaluated 2025-06-02.

Conditions:
Hereditary cancer-predisposing syndrome. Also called: Neoplastic Syndromes, Hereditary; Tumor predisposition; Hereditary Cancer Syndrome; Hereditary neoplastic syndrome. Identifiers: Orphanet 140162, MedGen C0027672, MeSH D009386, MONDO:0015356.
Tuberous sclerosis 2 (TSC2). Identifiers: Orphanet 805, MedGen C1860707, MONDO:0013199, OMIM 613254.

Submissions (2):

Labcorp Genetics (formerly Invitae), Labcorp
Classification: Uncertain significance for Tuberous sclerosis 2. Last evaluated: 2025-06-02. Review status: criteria provided, single submitter. Criteria: Invitae Variant Classification Sherloc (09022015). Collection method: clinical testing. Allele origin: germline.
Comment: This sequence change replaces proline, which is neutral and non-polar, with threonine, which is neutral and polar, at codon 642 of the TSC2 protein (p.Pro642Thr). This variant is not present in population databases (gnomAD no frequency). This variant has not been reported in the literature in individuals affected with TSC2-related conditions. ClinVar contains an entry for this variant (Variation ID: 566547). Invitae Evidence Modeling of protein sequence and biophysical properties (such as structural, functional, and spatial information, amino acid conservation, physicochemical variation, residue mobility, and thermodynamic stability) indicates that this missense variant is not expected to disrupt TSC2 protein function with a negative predictive value of 95%. In summary, the available evidence is currently insufficient to determine the role of this variant in disease. Therefore, it has been classified as a Variant of Uncertain Significance.

Ambry Genetics
Classification: Uncertain significance for Hereditary cancer-predisposing syndrome. Last evaluated: 2022-11-13. Review status: criteria provided, single submitter. Criteria: Ambry Variant Classification Scheme 2023. Collection method: clinical testing. Allele origin: germline.
Comment: The p.P642T variant (also known as c.1924C>A), located in coding exon 17 of the TSC2 gene, results from a C to A substitution at nucleotide position 1924. The proline at codon 642 is replaced by threonine, an amino acid with highly similar properties. This amino acid position is conserved. In addition, this alteration is predicted to be deleterious by in silico analysis. Since supporting evidence is limited at this time, the clinical significance of this alteration remains unclear.